The following is an entry in ClinVar:

ClinVar aggregate classification (germline): Uncertain significance (1 of 4 stars; one submission).

Conditions:
Duchenne muscular dystrophy (DMD). Also called: MUSCULAR DYSTROPHY, PSEUDOHYPERTROPHIC PROGRESSIVE, DUCHENNE TYPE; Duchenne Muscular Dystrophy (DMD). Identifiers: Orphanet 98896, MedGen C0013264, MONDO:0010679, OMIM 310200.

Allele frequency attached by ClinVar (database versions not stated): TOPMed below 0.00001; gnomAD 0.00001.
gnomAD v4.1: 1 of 1,209,704 alleles (0.000083%); highest among the groups gnomAD compares: African/African-American, 0.0017%; no homozygotes.

Submission:

Labcorp Genetics (formerly Invitae), Labcorp
Classification: Uncertain significance for Duchenne muscular dystrophy. Last evaluated: 2018-02-10. Review status: criteria provided, single submitter. Criteria: Invitae Variant Classification Sherloc (09022015). Collection method: clinical testing. Allele origin: germline.
Comment: This sequence change replaces asparagine with isoleucine at codon 2758 of the DMD protein (p.Asn2758Ile). The asparagine residue is highly conserved and there is a large physicochemical difference between asparagine and isoleucine. This variant is not present in population databases (ExAC no frequency). This variant has not been reported in the literature in individuals with DMD-related disease. Algorithms developed to predict the effect of missense changes on protein structure and function do not agree on the potential impact of this missense change (SIFT: "Deleterious"; PolyPhen-2: "Possibly Damaging"; Align-GVGD: "Class C15"). In summary, the available evidence is currently insufficient to determine the role of this variant in disease. Therefore, it has been classified as a Variant of Uncertain Significance.

NM_004006.3(DMD):c.8273A>T (p.Asn2758Ile)

Gene: DMD (dystrophin; minus strand). Cytogenetic location: Xp21.1.
Variant type: single nucleotide variant.
Coding change: c.8273A>T on transcript NM_004006.3 (MANE Select); coding-DNA position 8273, A replaced by T.
Protein change: p.Asn2758Ile; replaces asparagine 2758 with isoleucine.
Molecular consequence: missense variant.
Genome position (GRCh38, 1-based): chrX:31,507,398, T>A on the plus strand (A>T on the coding strand, the complement: DMD is on the minus strand). VCF-style: chrX-31507398-T-A. GRCh37 (hg19) VCF-style: chrX-31525515-T-A.
Other names: c.8249A>T, p.Asn2750Ile (NM_000109.4); c.8261A>T, p.Asn2754Ile (NM_004009.3); c.7904A>T, p.Asn2635Ile (NM_004010.3); c.4250A>T, p.Asn1417Ile (NM_004011.4); c.4241A>T, p.Asn1414Ile (NM_004012.4); c.893A>T, p.Asn298Ile (NM_004013.3, NM_004020.4, NM_004021.3 and 2 more transcripts); c.86A>T, p.Asn29Ile (NM_004014.3); short protein forms N2758I, N29I, N1417I, N2750I, N1414I, N2635I, N2754I, N298I.
Identifiers: ClinVar variation 578943 (VCV000578943.1), dbSNP rs1298733875, ClinGen allele CA412656325.